The following is an entry in ClinVar:

NM_000246.4(CIITA):c.2027A>T (p.Gln676Leu)

Gene: CIITA (class II major histocompatibility complex transactivator; plus strand). Cytogenetic location: 16p13.13.
Variant type: single nucleotide variant.
Coding change: c.2027A>T on transcript NM_000246.4 (MANE Select); coding-DNA position 2027, A replaced by T.
Protein change: p.Gln676Leu; replaces glutamine 676 with leucine.
Molecular consequence: missense variant. On other transcripts: intron variant (1).
Genome position (GRCh38, 1-based): chr16:10,907,519, A>T. VCF-style: chr16-10907519-A-T. GRCh37 (hg19) VCF-style: chr16-11001376-A-T.
Other names: c.1958A>T, p.Gln653Leu (NM_001379334.1); c.860-1464A>T (NM_001286403.2); c.2030A>T, p.Gln677Leu (NM_001286402.1, NM_001379332.1); c.1883A>T, p.Gln628Leu (NM_001379330.1); c.1880A>T, p.Gln627Leu (NM_001379331.1); c.2027A>T, p.Gln676Leu (NM_001379333.1); short protein forms Q627L, Q628L, Q653L, Q676L, Q677L.
Identifiers: ClinVar variation 1696112 (VCV001696112.5), dbSNP rs574001136, ClinGen allele CA277746847.

ClinVar aggregate classification (germline): Uncertain significance. Review status: criteria provided, multiple submitters, no conflicts (2 of 4 stars). 3 submissions from 3 submitters: Uncertain significance (3). Last evaluated 2025-11-20.

Conditions:
Inborn genetic diseases. Identifiers: MedGen C0950123, MeSH D030342.
MHC class II deficiency. Also called: Bare lymphocyte syndrome 2; BLS, TYPE II. Identifiers: Orphanet 572, MedGen C5447452, MONDO:0008855.

Allele frequency attached by ClinVar (database versions not stated): gnomAD 0.00001 and 0.00002; gnomAD exomes 0.00001 and 0.00003; 1000 Genomes Project 30x 0.00016; 1000 Genomes Project 0.00020.
gnomAD v4.1: 17 of 1,614,080 alleles (0.0011%); highest among the groups gnomAD compares: Admixed American, 0.022%; no homozygotes.

Submissions (3):

Ambry Genetics
Classification: Uncertain significance for Inborn genetic diseases. Last evaluated: 2025-11-20. Review status: criteria provided, single submitter. Criteria: Ambry Variant Classification Scheme 2023. Collection method: clinical testing. Allele origin: germline.

Labcorp Genetics (formerly Invitae), Labcorp
Classification: Uncertain significance for MHC class II deficiency. Last evaluated: 2022-07-26. Review status: criteria provided, single submitter. Criteria: Invitae Variant Classification Sherloc (09022015). Collection method: clinical testing. Allele origin: germline.
Comment: This sequence change replaces glutamine, which is neutral and polar, with leucine, which is neutral and non-polar, at codon 676 of the CIITA protein (p.Gln676Leu). This variant is present in population databases (rs574001136, gnomAD 0.01%). This variant has not been reported in the literature in individuals affected with CIITA-related conditions. Algorithms developed to predict the effect of missense changes on protein structure and function (SIFT, PolyPhen-2, Align-GVGD) all suggest that this variant is likely to be tolerated. In summary, the available evidence is currently insufficient to determine the role of this variant in disease. Therefore, it has been classified as a Variant of Uncertain Significance.

Women's Health and Genetics/Laboratory Corporation of America, LabCorp
Classification: Uncertain significance. Last evaluated: 2022-05-03. Review status: criteria provided, single submitter. Criteria: LabCorp Variant Classification Summary - May 2015. Collection method: clinical testing. Allele origin: germline.